The following is an entry in ClinVar:

ClinVar aggregate classification (germline): Uncertain significance. Review status: criteria provided, multiple submitters, no conflicts (2 of 4 stars). 2 submissions from 2 submitters: Uncertain significance (2). Last evaluated 2024-02-26.

Allele frequency attached by ClinVar (database versions not stated): gnomAD 0.00003; gnomAD exomes 0.00003; TOPMed 0.00006; ExAC 0.00009; ESP Exome Variant Server 0.00016.

Submissions (2):

Ambry Genetics
Classification: Uncertain significance. Last evaluated: 2024-02-26. Review status: criteria provided, single submitter. Criteria: Ambry Variant Classification Scheme 2023. Collection method: clinical testing. Allele origin: germline.

Labcorp Genetics (formerly Invitae), Labcorp
Classification: Uncertain significance. Last evaluated: 2023-03-04. Review status: criteria provided, single submitter. Criteria: Invitae Variant Classification Sherloc (09022015). Collection method: clinical testing. Allele origin: germline.
Comment: This variant is present in population databases (rs149265619, gnomAD 0.005%). This variant has not been reported in the literature in individuals affected with PALM-related conditions. Algorithms developed to predict the effect of missense changes on protein structure and function output the following: SIFT: "Not Available"; PolyPhen-2: "Benign"; Align-GVGD: "Not Available". The glutamine amino acid residue is found in multiple mammalian species, which suggests that this missense change does not adversely affect protein function. In summary, the available evidence is currently insufficient to determine the role of this variant in disease. Therefore, it has been classified as a Variant of Uncertain Significance. This sequence change replaces arginine, which is basic and polar, with glutamine, which is neutral and polar, at codon 82 of the PALM protein (p.Arg82Gln).

NM_002579.3(PALM):c.245G>A (p.Arg82Gln)

Gene: PALM (paralemmin; plus strand). Cytogenetic location: 19p13.3.
Variant type: single nucleotide variant.
Coding change: c.245G>A on transcript NM_002579.3 (MANE Select); coding-DNA position 245, G replaced by A.
Protein change: p.Arg82Gln; replaces arginine 82 with glutamine.
Molecular consequence: missense variant.
Genome position (GRCh38, 1-based): chr19:727,670, G>A. VCF-style: chr19-727670-G-A. GRCh37 (hg19) VCF-style: chr19-727670-G-A.
Other names: c.245G>A (NM_002579.2); c.245G>A, p.Arg82Gln (NM_001040134.2); short protein forms R82Q.
Identifiers: ClinVar variation 2978203 (VCV002978203.4), dbSNP rs149265619, ClinGen allele CA9022474.
Genomic context (GRCh38, chr19:727,670, plus strand): 5'-CGGCCTCAGAGGGGGATGAGGACCTGAGGAGGCAGATGCAGGACGACGAGCAGAAGACAC[G>A]GCTGCTGGAGGACTCGGTGTCCAGGTGGGGGCTGCAGCGTGGGTGCCACCGGGCTGGGTG-3'
Protein context (NP_002570.2, residues 72-92): RQMQDDEQKT[Arg82Gln]LLEDSVSRLE